The following is an entry in ClinVar:

ClinVar aggregate classification (germline): Likely pathogenic (1 of 4 stars; one submission).

Conditions:
Bardet-Biedl syndrome (BBS). Identifiers: Orphanet 110, MedGen C0752166, MONDO:0015229.

Allele frequency attached by ClinVar (database versions not stated): gnomAD exomes below 0.00001.
gnomAD v4.1: 6 of 1,588,442 alleles (0.00038%); highest among the groups gnomAD compares: Non-Finnish European, 0.00052%; no homozygotes.

Submission:

Labcorp Genetics (formerly Invitae), Labcorp
Classification: Likely pathogenic for Bardet-Biedl syndrome. Last evaluated: 2023-03-18. Review status: criteria provided, single submitter. Criteria: Invitae Variant Classification Sherloc (09022015). Collection method: clinical testing. Allele origin: germline.
Comment: In summary, the currently available evidence indicates that the variant is pathogenic, but additional data are needed to prove that conclusively. Therefore, this variant has been classified as Likely Pathogenic. Algorithms developed to predict the effect of sequence changes on RNA splicing suggest that this variant may disrupt the consensus splice site. This variant has not been reported in the literature in individuals affected with BBS7-related conditions. This variant is not present in population databases (gnomAD no frequency). This sequence change affects a donor splice site in intron 12 of the BBS7 gene. It is expected to disrupt RNA splicing. Variants that disrupt the donor or acceptor splice site typically lead to a loss of protein function (PMID: 16199547), and loss-of-function variants in BBS7 are known to be pathogenic (PMID: 12567324, 19402160, 21209035, 31196119).

Literature cited by the submitters: PubMed 16199547; PubMed 12567324; PubMed 19402160; PubMed 21209035; PubMed 31196119.

NM_176824.3(BBS7):c.1305+1G>A

Gene: BBS7 (Bardet-Biedl syndrome 7; minus strand). Cytogenetic location: 4q27.
Variant type: single nucleotide variant.
Coding change: c.1305+1G>A on transcript NM_176824.3 (MANE Select); the canonical splice donor site of the intron after coding-DNA position 1305, G replaced by A.
Molecular consequence: splice donor variant.
Genome position (GRCh38, 1-based): chr4:121,843,926, C>T on the plus strand (G>A on the coding strand, the complement: BBS7 is on the minus strand). VCF-style: chr4-121843926-C-T. GRCh37 (hg19) VCF-style: chr4-122765081-C-T.
Other names: c.1305+1G>A (NM_018190.4).
Identifiers: ClinVar variation 2892036 (VCV002892036.3), dbSNP rs2476490203, ClinGen allele CA358061245.